The following is an entry in ClinVar:

ClinVar aggregate classification (germline): Benign/Likely benign. Review status: criteria provided, multiple submitters, no conflicts (2 of 4 stars). 7 submissions from 7 submitters: Benign (4); Likely benign (2). 1 of the submissions does not count toward it. Last evaluated 2026-07-07.

Conditions:
SMARCA4-related disorder. Also called: SMARCA4-related condition.
Hereditary cancer-predisposing syndrome. Also called: Hereditary Cancer Syndrome; Hereditary neoplastic syndrome; Neoplastic Syndromes, Hereditary; Tumor predisposition. Identifiers: Orphanet 140162, MedGen C0027672, MeSH D009386, MONDO:0015356.
Rhabdoid tumor predisposition syndrome 2 (RTPS2). Identifiers: Orphanet 231108, Orphanet 69077, MedGen C2750074, MONDO:0013224, OMIM 613325.
Intellectual disability, autosomal dominant 16 (CSS4). Also called: COFFIN-SIRIS SYNDROME 4. Identifiers: Orphanet 1465, MedGen C3553249, MONDO:0013821, OMIM 614609.

Allele frequency attached by ClinVar (database versions not stated): ExAC 0.00018; gnomAD 0.00003; gnomAD exomes 0.00014 and 0.00003; TOPMed 0.00011.
gnomAD v4.1: 41 of 1,605,392 alleles (0.0026%); highest among the groups gnomAD compares: Admixed American, 0.063%; no homozygotes.

Submissions (7):

Myriad Genetics, Inc.
Classification: Likely benign for Rhabdoid tumor predisposition syndrome 2. Last evaluated: 2026-07-07. Review status: criteria provided, single submitter. Criteria: Myriad Autosomal Dominant, Autosomal Recessive and X-Linked Classification Criteria (2023). Collection method: clinical testing. Allele origin: unknown.
Comment: This variant is considered likely benign. This variant is intronic and is not expected to impact mRNA splicing.

Labcorp Genetics (formerly Invitae), Labcorp
Classification: Benign for Rhabdoid tumor predisposition syndrome 2. Last evaluated: 2026-01-28. Review status: criteria provided, single submitter. Criteria: Invitae Variant Classification Sherloc (09022015). Collection method: clinical testing. Allele origin: germline.

Quest Diagnostics Nichols Institute San Juan Capistrano
Classification: Benign. Last evaluated: 2023-07-13. Review status: criteria provided, single submitter. Criteria: Quest Diagnostics criteria. Collection method: clinical testing. Allele origin: unknown.

Sema4
Classification: Benign for Hereditary cancer-predisposing syndrome. Last evaluated: 2021-09-10. Review status: criteria provided, single submitter. Criteria: Sema4 Curation Guidelines. Collection method: curation. Allele origin: germline.

Genome-Nilou Lab
Classification: Benign for Intellectual disability, autosomal dominant 16. Last evaluated: 2021-07-15. Review status: criteria provided, single submitter. Criteria: ACMG Guidelines, 2015. Collection method: clinical testing. Allele origin: germline. Affected: no.

Ambry Genetics
Classification: Likely benign for Hereditary cancer-predisposing syndrome. Last evaluated: 2019-01-31. Review status: criteria provided, single submitter. Criteria: Ambry Variant Classification Scheme 2023. Collection method: clinical testing. Allele origin: germline.

PreventionGenetics, part of Exact Sciences
Classification: Likely benign for SMARCA4-related condition. Last evaluated: 2021-07-21. Review status: no assertion criteria provided. Collection method: clinical testing. Allele origin: germline. Not counted in ClinVar's aggregate classification.
Comment: This variant is classified as likely benign based on ACMG/AMP sequence variant interpretation guidelines (Richards et al. 2015 PMID: 25741868, with internal and published modifications).

NM_003072.5(SMARCA4):c.2974-4G>A

Gene: SMARCA4 (SWI/SNF related BAF chromatin remodeling complex subunit ATPase 4; plus strand). Cytogenetic location: 19p13.2.
Variant type: single nucleotide variant.
Coding change: c.2974-4G>A on transcript NM_003072.5 (MANE Select); 4 bases into the intron before coding-DNA position 2974, G replaced by A.
Molecular consequence: intron variant.
Genome position (GRCh38, 1-based): chr19:11,024,327, G>A. VCF-style: chr19-11024327-G-A. GRCh37 (hg19) VCF-style: chr19-11135003-G-A.
Other names: c.2974-4G>A (NM_001128844.3, NM_001128849.3, NM_001128847.4 and 5 more transcripts).
Identifiers: ClinVar variation 470328 (VCV000470328.23), dbSNP rs766593089, ClinGen allele CA9204292.